The following is an entry in ClinVar:

NM_000321.3(RB1):c.1817A>G (p.Tyr606Cys)

Gene: RB1 (RB transcriptional corepressor 1; plus strand). Cytogenetic location: 13q14.2.
Variant type: single nucleotide variant.
Coding change: c.1817A>G on transcript NM_000321.3 (MANE Select); coding-DNA position 1817, A replaced by G.
Protein change: p.Tyr606Cys; replaces tyrosine 606 with cysteine.
Molecular consequence: missense variant.
Genome position (GRCh38, 1-based): chr13:48,456,206, A>G. VCF-style: chr13-48456206-A-G. GRCh37 (hg19) VCF-style: chr13-49030342-A-G.
Other names: c.1817A>G, p.Tyr606Cys (NM_001407165.1); short protein forms Y606C.
Identifiers: ClinVar variation 2624661 (VCV002624661.2), dbSNP rs2138330973, ClinGen allele CA388165692.

ClinVar aggregate classification (germline): Uncertain significance (1 of 4 stars; one submission).

Conditions:
Hereditary cancer-predisposing syndrome. Also called: Tumor predisposition; Hereditary Cancer Syndrome; Hereditary neoplastic syndrome; Neoplastic Syndromes, Hereditary. Identifiers: Orphanet 140162, MedGen C0027672, MeSH D009386, MONDO:0015356.

Allele frequency attached by ClinVar (database versions not stated): gnomAD exomes below 0.00001.
gnomAD v4.1: 2 of 1,614,102 alleles (0.00012%); highest among the groups gnomAD compares: Non-Finnish European, 0.000085%; no homozygotes.

Submission:

Ambry Genetics
Classification: Uncertain significance for Hereditary cancer-predisposing syndrome. Last evaluated: 2023-08-25. Review status: criteria provided, single submitter. Criteria: Ambry Variant Classification Scheme 2023. Collection method: clinical testing. Allele origin: germline.
Comment: The p.Y606C variant (also known as c.1817A>G), located in coding exon 19 of the RB1 gene, results from an A to G substitution at nucleotide position 1817. The tyrosine at codon 606 is replaced by cysteine, an amino acid with highly dissimilar properties. This amino acid position is highly conserved in available vertebrate species. In addition, this alteration is predicted to be deleterious by in silico analysis. Since supporting evidence is limited at this time, the clinical significance of this alteration remains unclear.